The following continues an entry in ClinVar:

NM_130837.3(OPA1):c.2873_2876del

Gene: OPA1. ClinVar aggregate classification (germline): Pathogenic/Likely pathogenic. Pathogenic (32); Likely pathogenic (2).

Submissions 20 to 41 of 42:

Women's Health and Genetics/Laboratory Corporation of America, LabCorp
Classification: Pathogenic for OPA1-Related Disorders. Last evaluated: 2024-03-18. Review status: criteria provided, single submitter. Criteria: LabCorp Variant Classification Summary - May 2015. Collection method: clinical testing. Allele origin: germline.
Comment: Variant summary: OPA1 c.2708_2711delTTAG (p.Val903GlyfsX3) results in a premature termination codon, predicted to cause a truncation of the encoded protein or absence of the protein due to nonsense mediated decay, which are commonly known mechanisms for disease. Several computational tools predict a significant impact on normal splicing: Three predict the variant abolishes a 3' acceptor site. Three predict the variant creates a cryptic 3' acceptor site. However, these predictions have yet to be confirmed by functional studies. The variant allele was found at a frequency of 3.2e-05 in 251242 control chromosomes (gnomAD). c.2708_2711delTTAG has been reported in the literature in multiple individuals affected with autosomal dominant optic atrophy (Cohn_2008). These data indicate that the variant is very likely to be associated with disease. At least one publication reports experimental evidence evaluating an impact on protein function and this variant showed it was more prone to cell death than controls after an exogenous oxidative stress in fibroblasts (Zanna_2008). The following publications have been ascertained in the context of this evaluation (PMID: 17306754, 18222991). ClinVar contains an entry for this variant (Variation ID: 5082). Based on the evidence outlined above, the variant was classified as pathogenic.

Institute of Human Genetics Munich, TUM University Hospital
Classification: Pathogenic for Autosomal dominant optic atrophy classic form. Last evaluated: 2023-08-17. Review status: criteria provided, single submitter. Criteria: Classification criteria August 2017. Collection method: clinical testing. Allele origin: maternal. Inheritance: Autosomal dominant inheritance. Affected: yes. Observed: 1 variant allele.

Institute of Human Genetics, University of Leipzig Medical Center
Classification: Pathogenic for Autosomal dominant optic atrophy classic form. Last evaluated: 2023-06-20. Review status: criteria provided, single submitter. Criteria: ACMG Guidelines, 2015. Collection method: clinical testing. Allele origin: unknown. Inheritance: Autosomal dominant inheritance. Affected: yes.
Comment: Criteria applied: PVS1,PS4,PS3_MOD

Centre of Medical Genetics, University Hospital Muenster
Classification: Pathogenic. Last evaluated: 2023-03-06. Review status: criteria provided, single submitter. Criteria: ACMG Guidelines, 2015. Collection method: clinical testing. Allele origin: unknown. Affected: yes. Observed: 1 variant allele, 1 heterozygote.
Comment: ACMG categories: PVS1,PP1,PP4,PP5

Institute of Human Genetics, Univ. Regensburg, Univ. Regensburg
Classification: Pathogenic for Optic atrophy. Last evaluated: 2023-01-01. Review status: criteria provided, single submitter. Criteria: ACMG Guidelines, 2015. Collection method: clinical testing. Allele origin: germline. Affected: yes.

Revvity Omics, Revvity
Classification: Pathogenic. Last evaluated: 2022-01-12. Review status: criteria provided, single submitter. Criteria: ACMG Guidelines, 2015. Collection method: clinical testing. Allele origin: germline.

MGZ Medical Genetics Center
Classification: Pathogenic for Autosomal dominant optic atrophy classic form. Last evaluated: 2021-11-26. Review status: criteria provided, single submitter. Criteria: ACMG Guidelines, 2015. Collection method: clinical testing. Allele origin: germline. Affected: yes. Observed: 1 variant allele.
Comment: ACMG criteria applied: PVS1, PS4, PM2_SUP

Institute of Medical Molecular Genetics, University of Zurich
Classification: Likely pathogenic for Autosomal dominant optic atrophy classic form. Last evaluated: 2021-01-30. Review status: criteria provided, single submitter. Criteria: ACMG Guidelines, 2015. Collection method: clinical testing. Allele origin: unknown. Affected: yes.

Molecular Medicine for Neurodegenerative and Neuromuscular Diseases Unit, IRCCS Fondazione Stella Maris
Classification: Pathogenic for Autosomal dominant optic atrophy classic form. Last evaluated: 2021-01-04. Review status: criteria provided, single submitter. Criteria: ACMG Guidelines, 2015. Collection method: research. Allele origin: unknown. Affected: yes.

Institute of Medical Genetics and Applied Genomics, University Hospital Tübingen
Classification: Pathogenic. Last evaluated: 2020-10-23. Review status: criteria provided, single submitter. Criteria: ACMG Guidelines, 2015. Collection method: clinical testing. Allele origin: germline. Inheritance: Unknown mechanism. Affected: yes.

Dubai Health Genomic Medicine Center, Dubai Health
Classification: Pathogenic for Autosomal dominant optic atrophy classic form. Last evaluated: 2020-10-18. Review status: criteria provided, single submitter. Criteria: ACMG Guidelines, 2015. Collection method: clinical testing. Allele origin: germline. Affected: yes.
Comment: The p.Val903fs variant in the OPA1 gene was previously reported in the heterozygous state in several individuals with optic atrophy (PMID: 11017079 11440989) though penetrance was incomplete ranging between 43% and 62% (PMID: 11440989). However this patient's father and sister were unaffected carriers of the same variants again suggesting incomplete penetrance (PMID: 21646330). A mouse model carrying this variant displayed multi-systemic poly-degenerative phenotype with a presentation associating signs of visual failure deafness encephalomyopathy peripheral neuropathy ataxia and cardiomyopathy (PMID: 23250881). The Val903fs variant was also identified in 10/282600 (0.0035% 0 homozygotes) total alleles in the Genome Aggregation Database (gnomAD). This frameshift variant is predicted to alter the protein's amino acid sequence beginning at position 903 and lead to a premature termination codon 3 amino acids downstream. This alteration is then predicted to lead to a truncated or absent protein. In summary this variant meets our criteria for pathogenicity for dominant optic atrophy with reduced penetrance.

GeneDx
Classification: Pathogenic. Last evaluated: 2020-02-24. Review status: criteria provided, single submitter. Criteria: GeneDx Variant Classification Process June 2021. Collection method: clinical testing. Allele origin: germline. Affected: yes.
Comment: An Opa1 mouse model carrying the c.2708_2711delTTAG variant displayed a multi-systemic poly-degenerative phenotype including signs of visual failure, deafness, encephalomyopathy, peripheral neuropathy, ataxia, cardiomyopathy, and premature age-related axonal and myelin degenerations (Sarzi et al., 2012); Frameshift variant predicted to result in protein truncation or nonsense mediated decay in a gene for which loss-of-function is a known mechanism of disease; This variant is associated with the following publications: (PMID: 23665194, 25012220, 26031781, 21646330, 25699009, 26385429, 27260406, 25564500, 23250881, 27974645, 11017079, 28848318, 15505825, 20952381, 11440989, 32025183, 31500643, 31589614, 33300680)

Center of Genomic medicine, Geneva, University Hospital of Geneva
Classification: Pathogenic for Autosomal dominant optic atrophy classic form. Last evaluated: 2017-09-18. Review status: criteria provided, single submitter. Criteria: ACMG Guidelines, 2015. Collection method: clinical testing. Allele origin: maternal. Affected: yes.

Eurofins Ntd Llc (ga)
Classification: Pathogenic. Last evaluated: 2017-01-12. Review status: criteria provided, single submitter. Criteria: EGL Classification Definitions. Collection method: clinical testing. Allele origin: germline. Observed: 23 variant alleles, 23 heterozygotes.

Genomics England Pilot Project, Genomics England
Classification: Likely pathogenic for Optic atrophy with or without deafness, ophthalmoplegia, myopathy, ataxia, and neuropathy. Review status: criteria provided, single submitter. Criteria: ACGS Guidelines, 2016. Collection method: clinical testing. Allele origin: germline. Affected: yes.

Mitochondrial Research Group, Newcastle University
Classification: Pathogenic for Mitochondrial disease. Last evaluated: 2017-04-07. Review status: no assertion criteria provided. Collection method: clinical testing. Allele origin: germline. Affected: yes. Observed: 1 variant allele. Not counted in ClinVar's aggregate classification.

OMIM
Classification: Pathogenic for OPTIC ATROPHY 1. Last evaluated: 2011-08-01. Review status: no assertion criteria provided. Collection method: literature only. Allele origin: germline. Not counted in ClinVar's aggregate classification.

OMIM
Classification: Pathogenic for BEHR SYNDROME. Last evaluated: 2011-08-01. Review status: no assertion criteria provided. Collection method: literature only. Allele origin: germline. Not counted in ClinVar's aggregate classification.

Clinical Genetics DNA and cytogenetics Diagnostics Lab, Erasmus MC, Erasmus Medical Center
Classification: Pathogenic. Review status: no assertion criteria provided. Collection method: clinical testing. Allele origin: germline. Affected: yes. Study: VKGL Data-share Consensus. Not counted in ClinVar's aggregate classification.

Clinical Genetics, Academic Medical Center
Classification: Pathogenic. Review status: no assertion criteria provided. Collection method: clinical testing. Allele origin: germline. Affected: yes. Study: VKGL Data-share Consensus. Not counted in ClinVar's aggregate classification.

Dr. Peter K. Rogan Lab, Western University
No classification provided (evidence only). Condition: Papillary renal cell carcinoma type 1. Review status: no classification provided. Collection method: in vitro. Allele origin: not applicable. Functional consequence: cryptic splice site. Not counted in ClinVar's aggregate classification.

GeneReviews
No classification provided. Condition: Autosomal dominant optic atrophy classic form. Review status: no classification provided. Collection method: literature only. Allele origin: germline. Affected: yes. Not counted in ClinVar's aggregate classification.